The following is an entry in ClinVar:

NM_001134831.2(AHI1):c.2037-1G>A

Gene: AHI1 (Abelson helper integration site 1; minus strand). Cytogenetic location: 6q23.3.
Variant type: single nucleotide variant.
Coding change: c.2037-1G>A on transcript NM_001134831.2 (MANE Select); the canonical splice acceptor site of the intron before coding-DNA position 2037, G replaced by A.
Molecular consequence: splice acceptor variant.
Genome position (GRCh38, 1-based): chr6:135,433,257, C>T on the plus strand (G>A on the coding strand, the complement: AHI1 is on the minus strand). VCF-style: chr6-135433257-C-T. GRCh37 (hg19) VCF-style: chr6-135754395-C-T.
Other names: c.2037-1G>A (NM_001134830.2, NM_001350503.2, NM_017651.5 and 2 more transcripts).
Identifiers: ClinVar variation 5004731 (VCV005004731.1).

ClinVar aggregate classification (germline): Likely pathogenic (1 of 4 stars; one submission).

Conditions:
Joubert syndrome 3 (JBTS3). Also called: AHI1-related Ciliopathy. Identifiers: Orphanet 220493, MedGen C1837713, MONDO:0012078, OMIM 608629.

gnomAD v4.1: 1 of 1,582,994 alleles (0.000063%); highest among the groups gnomAD compares: Non-Finnish European, 0.000087%; no homozygotes.

Submission:

Myriad Genetics, Inc.
Classification: Likely pathogenic for Joubert syndrome 3. Last evaluated: 2026-06-12. Review status: criteria provided, single submitter. Criteria: Myriad Autosomal Dominant, Autosomal Recessive and X-Linked Classification Criteria (2023). Collection method: clinical testing. Allele origin: unknown.
Comment: NM_001134831.1(AHI1):c.2037-1G>A is a variant in a canonical splice site classified as likely pathogenic in the context of Joubert syndrome, AHI1-related. c.2037-1G>A has not been observed in cases with relevant disease. Relevant functional assessments of this variant are not available in the literature. c.2037-1G>A has not been observed in referenced population frequency databases. In summary, NM_001134831.1(AHI1):c.2037-1G>A is a variant in a canonical splice site in a gene where loss of function is a known mechanism of disease and is predicted to disrupt protein function. Please note: this variant was assessed in the context of healthy population screening.